The following is an entry in ClinVar:

ClinVar aggregate classification (germline): Uncertain significance (1 of 4 stars; one submission).

Conditions:
Pityriasis rubra pilaris (PRP). Also called: Pityriasis rubra pilaris--familial type. Identifiers: Orphanet 2897, MedGen C0032027, MONDO:0100017, OMIM 173200, MONDO:0008251.
Psoriasis 2. Identifiers: MedGen C1864497, MONDO:0011269, OMIM 602723.

Submission:

Labcorp Genetics (formerly Invitae), Labcorp
Classification: Uncertain significance for Pityriasis rubra pilaris; Psoriasis 2. Last evaluated: 2023-03-04. Review status: criteria provided, single submitter. Criteria: Invitae Variant Classification Sherloc (09022015). Collection method: clinical testing. Allele origin: germline.
Comment: In summary, the available evidence is currently insufficient to determine the role of this variant in disease. Therefore, it has been classified as a Variant of Uncertain Significance. Advanced modeling of protein sequence and biophysical properties (such as structural, functional, and spatial information, amino acid conservation, physicochemical variation, residue mobility, and thermodynamic stability) performed at Invitae indicates that this missense variant is not expected to disrupt CARD14 protein function. This variant has not been reported in the literature in individuals affected with CARD14-related conditions. This variant is not present in population databases (gnomAD no frequency). This sequence change replaces histidine, which is basic and polar, with glutamine, which is neutral and polar, at codon 177 of the CARD14 protein (p.His177Gln).

NM_001366385.1(CARD14):c.531C>A (p.His177Gln)

Gene: CARD14 (caspase recruitment domain family member 14; plus strand). Cytogenetic location: 17q25.3.
Variant type: single nucleotide variant.
Coding change: c.531C>A on transcript NM_001366385.1 (MANE Select); coding-DNA position 531, C replaced by A.
Protein change: p.His177Gln; replaces histidine 177 with glutamine.
Molecular consequence: missense variant. On other transcripts: non-coding transcript variant (1).
Genome position (GRCh38, 1-based): chr17:80,184,094, C>A. VCF-style: chr17-80184094-C-A. GRCh37 (hg19) VCF-style: chr17-78157893-C-A.
Other names: c.531C>A, p.His177Gln (NM_001257970.1, NM_024110.4); short protein forms H177Q.
Identifiers: ClinVar variation 2952698 (VCV002952698.3), dbSNP rs2040260802, ClinGen allele CA401336966.